The following is an entry in ClinVar:

ClinVar aggregate classification (germline): Likely benign. Review status: criteria provided, multiple submitters, no conflicts (2 of 4 stars). 2 submissions from 2 submitters: Likely benign (2). Last evaluated 2026-03-09.

Allele frequency attached by ClinVar (database versions not stated): 1000 Genomes Project 0.00060; 1000 Genomes Project 30x 0.00078.
gnomAD v4.1: 357 of 1,614,194 alleles (0.022%); highest among the groups gnomAD compares: South Asian, 0.35%; 4 homozygotes.

Submissions (2):

Women's Health and Genetics/Laboratory Corporation of America, LabCorp
Classification: Likely benign. Last evaluated: 2026-03-09. Review status: criteria provided, single submitter. Criteria: LabCorp Variant Classification Summary - May 2015. Collection method: clinical testing. Allele origin: germline.
Comment: Variant summary: ARHGEF10 c.2818G>T (p.Val940Phe) results in a non-conservative amino acid change in the encoded protein sequence. Algorithms developed to predict the effect of missense changes on protein structure and function are either unavailable or do not agree on the potential impact of this missense change. The variant allele was found at a frequency of 0.00049 in 251480 control chromosomes, predominantly at a frequency of 0.0039 within the South Asian subpopulation in the gnomAD database, including 3 homozygotes. The observed variant frequency within South Asian control individuals in the gnomAD database exceeds the estimated maximal expected allele frequency for disease-causing variants in ARHGEF10. To our knowledge, no occurrence of c.2818G>T in individuals affected with ARHGEF10-related conditions and no experimental evidence demonstrating its impact on protein function have been reported. ClinVar contains an entry for this variant (Variation ID: 1672185). Based on the evidence outlined above, the variant was classified as likely benign.

Labcorp Genetics (formerly Invitae), Labcorp
Classification: Likely benign. Last evaluated: 2025-03-05. Review status: criteria provided, single submitter. Criteria: Invitae Variant Classification Sherloc (09022015). Collection method: clinical testing. Allele origin: germline.

NM_014629.4(ARHGEF10):c.2818G>T (p.Val940Phe)

Gene: ARHGEF10 (Rho guanine nucleotide exchange factor 10; plus strand). Cytogenetic location: 8p23.3.
Variant type: single nucleotide variant.
Coding change: c.2818G>T on transcript NM_014629.4 (MANE Select); coding-DNA position 2818, G replaced by T.
Protein change: p.Val940Phe; replaces valine 940 with phenylalanine.
Molecular consequence: missense variant.
Genome position (GRCh38, 1-based): chr8:1,928,547, G>T. VCF-style: chr8-1928547-G-T. GRCh37 (hg19) VCF-style: chr8-1876713-G-T.
Other names: c.2704G>T, p.Val902Phe (NM_001308152.2); c.2818G>T, p.Val940Phe (NM_001308153.3); short protein forms V902F, V940F, V964F.
Identifiers: ClinVar variation 1672185 (VCV001672185.9), dbSNP rs367592773, ClinGen allele CA4601076.